The following is an entry in ClinVar:

NM_002591.4(PCK1):c.1414+4A>C

Gene: PCK1 (phosphoenolpyruvate carboxykinase 1; plus strand). Cytogenetic location: 20q13.31.
Variant type: single nucleotide variant.
Coding change: c.1414+4A>C on transcript NM_002591.4 (MANE Select); 4 bases into the intron after coding-DNA position 1414, A replaced by C.
Molecular consequence: intron variant.
Genome position (GRCh38, 1-based): chr20:57,565,139, A>C. VCF-style: chr20-57565139-A-C. GRCh37 (hg19) VCF-style: chr20-56140195-A-C.
Identifiers: ClinVar variation 2525063 (VCV002525063.4), dbSNP rs1249357800, ClinGen allele CA745890898.
Genomic context (GRCh38, chr20:57,565,139, plus strand): 5'-GAGTCTTTGTGGGGGCGGCCATGAGATCAGAGGCCACAGCGGCTGCAGAACATAAAGGTA[A>C]ATCAAAGTCCTGATCTGAAACCACAGAGAAGTGGGATTAGAGCACTCTTCGTCACTCTTA-3'

ClinVar aggregate classification (germline): Uncertain significance. Review status: criteria provided, single submitter (1 of 4 stars). 2 submissions from 2 submitters: Uncertain significance (1). 1 of the submissions does not count toward it. Last evaluated 2023-04-25.

Conditions:
PCK1-related disorder. Also called: PCK1-related condition.
Inborn genetic diseases. Identifiers: MedGen C0950123, MeSH D030342.

Allele frequency attached by ClinVar (database versions not stated): gnomAD 0.00004; TOPMed 0.00006.

Submissions (2):

Ambry Genetics
Classification: Uncertain significance for Inborn genetic diseases. Last evaluated: 2023-04-25. Review status: criteria provided, single submitter. Criteria: Ambry Variant Classification Scheme 2023. Collection method: clinical testing. Allele origin: germline.
Comment: The c.1414+4A>C intronic alteration consists of a A to C substitution 4 nucleotides after exon 9 (coding exon 8) of the PCK1 gene. Based on insufficient or conflicting evidence, the clinical significance of this alteration remains unclear.

PreventionGenetics, part of Exact Sciences
Classification: Likely benign for PCK1-related condition. Last evaluated: 2019-05-03. Review status: no assertion criteria provided. Collection method: clinical testing. Allele origin: germline. Not counted in ClinVar's aggregate classification.
Comment: This variant is classified as likely benign based on ACMG/AMP sequence variant interpretation guidelines (Richards et al. 2015 PMID: 25741868, with internal and published modifications).